The following is an entry in ClinVar:

NM_000038.6(APC):c.835-11T>C

Gene: APC (APC regulator of Wnt signaling pathway; plus strand). Cytogenetic location: 5q22.2.
Variant type: single nucleotide variant.
Coding change: c.835-11T>C on transcript NM_000038.6 (MANE Select); 11 bases into the intron before coding-DNA position 835, T replaced by C.
Molecular consequence: intron variant.
Genome position (GRCh38, 1-based): chr5:112,815,484, T>C. VCF-style: chr5-112815484-T-C. GRCh37 (hg19) VCF-style: chr5-112151181-T-C.
Other names: c.835-11T>C (NM_001354895.2, NM_001127510.3, NM_001354896.2 and 1 more transcripts); c.865-11T>C (NM_001354897.2, NM_001354902.2); c.781-11T>C (NM_001127511.3); c.760-11T>C (NM_001354898.2, NM_001354904.2); c.-15-11T>C (NM_001354906.2); c.751-11T>C (NM_001354899.2); c.658-11T>C (NM_001354900.2, NM_001354901.2, NM_001354905.2).
Identifiers: ClinVar variation 2118392 (VCV002118392.4), dbSNP rs2149762145, ClinGen allele CA2580072244.

ClinVar aggregate classification (germline): Uncertain significance (1 of 4 stars; one submission).

Conditions:
Familial adenomatous polyposis 1 (FAP1). Also called: FAMILIAL ADENOMATOUS POLYPOSIS 1, ATTENUATED; POLYPOSIS, ADENOMATOUS INTESTINAL. Identifiers: MedGen C2713442, MONDO:0021056, OMIM 175100. Disease mechanism: loss of function.

Submission:

Labcorp Genetics (formerly Invitae), Labcorp
Classification: Uncertain significance for Familial adenomatous polyposis 1. Last evaluated: 2022-03-27. Review status: criteria provided, single submitter. Criteria: Invitae Variant Classification Sherloc (09022015). Collection method: clinical testing. Allele origin: germline.
Comment: This sequence change falls in intron 8 of the APC gene. It does not directly change the encoded amino acid sequence of the APC protein. In summary, the available evidence is currently insufficient to determine the role of this variant in disease. Therefore, it has been classified as a Variant of Uncertain Significance. Algorithms developed to predict the effect of sequence changes on RNA splicing suggest that this variant may disrupt the consensus splice site. This variant has not been reported in the literature in individuals affected with APC-related conditions. This variant is not present in population databases (gnomAD no frequency).